The following is an entry in ClinVar:

ClinVar aggregate classification (germline): Uncertain significance. Review status: criteria provided, multiple submitters, no conflicts (2 of 4 stars). 2 submissions from 2 submitters: Uncertain significance (2). Last evaluated 2025-11-02.

Conditions:
Inborn genetic diseases. Identifiers: MedGen C0950123, MeSH D030342.

Allele frequency attached by ClinVar (database versions not stated): gnomAD exomes 0.00001.
gnomAD v4.1: 12 of 1,614,222 alleles (0.00074%); highest among the groups gnomAD compares: South Asian, 0.0088%; no homozygotes.

Submissions (2):

Ambry Genetics
Classification: Uncertain significance for Inborn genetic diseases. Last evaluated: 2025-11-02. Review status: criteria provided, single submitter. Criteria: Ambry Variant Classification Scheme 2023. Collection method: clinical testing. Allele origin: germline.

Labcorp Genetics (formerly Invitae), Labcorp
Classification: Uncertain significance. Last evaluated: 2025-10-21. Review status: criteria provided, single submitter. Criteria: Invitae Variant Classification Sherloc (09022015). Collection method: clinical testing. Allele origin: germline.
Comment: This sequence change replaces glutamine, which is neutral and polar, with histidine, which is basic and polar, at codon 1480 of the DNAH9 protein (p.Gln1480His). This variant is present in population databases (no rsID available, gnomAD 0.003%). This variant has not been reported in the literature in individuals affected with DNAH9-related conditions. ClinVar contains an entry for this variant (Variation ID: 2261236). Invitae Evidence Modeling of protein sequence and biophysical properties (such as structural, functional, and spatial information, amino acid conservation, physicochemical variation, residue mobility, and thermodynamic stability) indicates that this missense variant is not expected to disrupt DNAH9 protein function with a negative predictive value of 80%. In summary, the available evidence is currently insufficient to determine the role of this variant in disease. Therefore, it has been classified as a Variant of Uncertain Significance.

NM_001372.4(DNAH9):c.4440G>C (p.Gln1480His)

Gene: DNAH9 (dynein axonemal heavy chain 9; plus strand). Cytogenetic location: 17p12.
Variant type: single nucleotide variant.
Coding change: c.4440G>C on transcript NM_001372.4 (MANE Select); coding-DNA position 4440, G replaced by C.
Protein change: p.Gln1480His; replaces glutamine 1480 with histidine.
Molecular consequence: missense variant.
Genome position (GRCh38, 1-based): chr17:11,690,262, G>C. VCF-style: chr17-11690262-G-C. GRCh37 (hg19) VCF-style: chr17-11593579-G-C.
Other names: short protein forms Q1480H.
Identifiers: ClinVar variation 2261236 (VCV002261236.4), dbSNP rs1175271894, ClinGen allele CA398187564.